The following is an entry in ClinVar:

NM_000784.4(CYP27A1):c.1342C>A (p.Arg448Ser)

Gene: CYP27A1 (cytochrome P450 family 27 subfamily A member 1; plus strand). Cytogenetic location: 2q35.
Variant type: single nucleotide variant.
Coding change: c.1342C>A on transcript NM_000784.4 (MANE Select); coding-DNA position 1342, C replaced by A.
Protein change: p.Arg448Ser; replaces arginine 448 with serine.
Molecular consequence: missense variant.
Genome position (GRCh38, 1-based): chr2:218,814,623, C>A. VCF-style: chr2-218814623-C-A. GRCh37 (hg19) VCF-style: chr2-219679346-C-A.
Other names: short protein forms R448S.
Identifiers: ClinVar variation 594934 (VCV000594934.9), dbSNP rs730882199, ClinGen allele CA2112878.

ClinVar aggregate classification (germline): Uncertain significance. Review status: criteria provided, multiple submitters, no conflicts (2 of 4 stars). 3 submissions from 3 submitters: Uncertain significance (3). Last evaluated 2024-11-11.

Conditions:
Cholestanol storage disease (CTX). Also called: Cerebrotendinous Xanthomatosis; CTX: Cerebrotendinous xanthomatosis; CEREBRAL CHOLESTERINOSIS. Identifiers: Orphanet 909, MedGen C0238052, MONDO:0008948, OMIM 213700.

gnomAD v4.1: 5 of 1,614,212 alleles (0.00031%); highest among the groups gnomAD compares: Admixed American, 0.0083%; no homozygotes.

Submissions (3):

Labcorp Genetics (formerly Invitae), Labcorp
Classification: Uncertain significance for Cholestanol storage disease. Last evaluated: 2024-11-11. Review status: criteria provided, single submitter. Criteria: Invitae Variant Classification Sherloc (09022015). Collection method: clinical testing. Allele origin: germline.
Comment: This sequence change replaces arginine, which is basic and polar, with serine, which is neutral and polar, at codon 448 of the CYP27A1 protein (p.Arg448Ser). This variant is present in population databases (rs730882199, gnomAD 0.01%). This variant has not been reported in the literature in individuals affected with CYP27A1-related conditions. ClinVar contains an entry for this variant (Variation ID: 594934). Invitae Evidence Modeling of protein sequence and biophysical properties (such as structural, functional, and spatial information, amino acid conservation, physicochemical variation, residue mobility, and thermodynamic stability) indicates that this missense variant is expected to disrupt CYP27A1 protein function with a positive predictive value of 95%. In summary, the available evidence is currently insufficient to determine the role of this variant in disease. Therefore, it has been classified as a Variant of Uncertain Significance.

Women's Health and Genetics/Laboratory Corporation of America, LabCorp
Classification: Uncertain significance. Last evaluated: 2024-07-18. Review status: criteria provided, single submitter. Criteria: LabCorp Variant Classification Summary - May 2015. Collection method: clinical testing. Allele origin: germline.
Comment: Variant summary: CYP27A1 c.1342C>A (p.Arg448Ser) results in a non-conservative amino acid change in the encoded protein sequence. Five of five in-silico tools predict a damaging effect of the variant on protein function. The variant allele was found at a frequency of 1.6e-05 in 250076 control chromosomes. The available data on variant occurrences in the general population are insufficient to allow any conclusion about variant significance. To our knowledge, no occurrence of c.1342C>A in individuals affected with Cerebrotendinous Xanthomatosis and no experimental evidence demonstrating its impact on protein function have been reported. ClinVar contains an entry for this variant (Variation ID: 594934). Based on the evidence outlined above, the variant was classified as uncertain significance.

Eurofins Ntd Llc (ga)
Classification: Uncertain significance. Last evaluated: 2017-11-08. Review status: criteria provided, single submitter. Criteria: EGL Classification Definitions 2015. Collection method: clinical testing. Allele origin: germline. Observed: 1 variant allele, 1 heterozygote.